The following is an entry in ClinVar:

NM_001042492.3(NF1):c.4658C>G (p.Pro1553Arg)

Gene: NF1 (neurofibromin 1; plus strand). Cytogenetic location: 17q11.2.
Variant type: single nucleotide variant.
Coding change: c.4658C>G on transcript NM_001042492.3 (MANE Select); coding-DNA position 4658, C replaced by G.
Protein change: p.Pro1553Arg; replaces proline 1553 with arginine.
Molecular consequence: missense variant.
Genome position (GRCh38, 1-based): chr17:31,261,791, C>G. VCF-style: chr17-31261791-C-G. GRCh37 (hg19) VCF-style: chr17-29588809-C-G.
Other names: c.4595C>G, p.Pro1532Arg (NM_000267.4); short protein forms P1532R, P1553R.
Identifiers: ClinVar variation 825025 (VCV000825025.4), dbSNP rs1597748857, ClinGen allele CA399000398.

ClinVar aggregate classification (germline): Uncertain significance (1 of 4 stars; one submission).

Conditions:
Hereditary cancer-predisposing syndrome. Also called: Neoplastic Syndromes, Hereditary; Tumor predisposition; Hereditary neoplastic syndrome; Hereditary Cancer Syndrome. Identifiers: Orphanet 140162, MedGen C0027672, MeSH D009386, MONDO:0015356.
Cardiovascular phenotype. Identifiers: MedGen CN230736.

Submission:

Ambry Genetics
Classification: Uncertain significance for Cardiovascular phenotype; Hereditary cancer-predisposing syndrome. Last evaluated: 2018-10-02. Review status: criteria provided, single submitter. Criteria: Ambry Variant Classification Scheme 2023. Collection method: clinical testing. Allele origin: germline.
Comment: The p.P1532R variant (also known as c.4595C>G), located in coding exon 34 of the NF1 gene, results from a C to G substitution at nucleotide position 4595. The proline at codon 1532 is replaced by arginine, an amino acid with dissimilar properties. This amino acid position is highly conserved in available vertebrate species. In addition, the in silico prediction for this alteration is inconclusive. Since supporting evidence is limited at this time, the clinical significance of this alteration remains unclear.